The following is an entry in ClinVar:

ClinVar aggregate classification (germline): Uncertain significance (1 of 4 stars; one submission).

Conditions:
Spastic paraplegia. Identifiers: MedGen C0037772, HP:0001258.

Allele frequency attached by ClinVar (database versions not stated): gnomAD exomes below 0.00001; gnomAD 0.00001; TOPMed 0.00001.
gnomAD v4.1: 8 of 1,614,084 alleles (0.0005%); highest among the groups gnomAD compares: Non-Finnish European, 0.00059%; no homozygotes.

Submission:

Labcorp Genetics (formerly Invitae), Labcorp
Classification: Uncertain significance for Spastic paraplegia. Last evaluated: 2019-09-29. Review status: criteria provided, single submitter. Criteria: Invitae Variant Classification Sherloc (09022015). Collection method: clinical testing. Allele origin: germline.
Comment: This sequence change replaces alanine with threonine at codon 311 of the B4GALNT1 protein (p.Ala311Thr). The alanine residue is highly conserved and there is a small physicochemical difference between alanine and threonine. This variant is not present in population databases (ExAC no frequency). This variant has not been reported in the literature in individuals with B4GALNT1-related conditions. Algorithms developed to predict the effect of missense changes on protein structure and function (SIFT, PolyPhen-2, Align-GVGD) all suggest that this variant is likely to be disruptive, but these predictions have not been confirmed by published functional studies and their clinical significance is uncertain. In summary, the available evidence is currently insufficient to determine the role of this variant in disease. Therefore, it has been classified as a Variant of Uncertain Significance.

NM_001478.5(B4GALNT1):c.931G>A (p.Ala311Thr)

Gene: B4GALNT1 (beta-1,4-N-acetyl-galactosaminyltransferase 1; minus strand). Cytogenetic location: 12q13.3.
Variant type: single nucleotide variant.
Coding change: c.931G>A on transcript NM_001478.5 (MANE Select); coding-DNA position 931, G replaced by A.
Protein change: p.Ala311Thr; replaces alanine 311 with threonine.
Molecular consequence: missense variant.
Genome position (GRCh38, 1-based): chr12:57,628,784, C>T on the plus strand (G>A on the coding strand, the complement: B4GALNT1 is on the minus strand). VCF-style: chr12-57628784-C-T. GRCh37 (hg19) VCF-style: chr12-58022567-C-T.
Other names: c.766G>A, p.Ala256Thr (NM_001276468.2); short protein forms A256T, A311T.
Identifiers: ClinVar variation 840185 (VCV000840185.9), dbSNP rs897160467, ClinGen allele CA237791063.